The following is an entry in ClinVar:

NM_001025295.3(IFITM5):c.34G>T (p.Ala12Ser)

Gene: IFITM5 (interferon induced transmembrane protein 5; minus strand). Cytogenetic location: 11p15.5.
Variant type: single nucleotide variant.
Coding change: c.34G>T on transcript NM_001025295.3 (MANE Select); coding-DNA position 34, G replaced by T.
Protein change: p.Ala12Ser; replaces alanine 12 with serine.
Molecular consequence: missense variant.
Genome position (GRCh38, 1-based): chr11:299,457, C>A on the plus strand (G>T on the coding strand, the complement: IFITM5 is on the minus strand). VCF-style: chr11-299457-C-A. GRCh37 (hg19) VCF-style: chr11-299457-C-A.
Other names: c.34G>T (NM_001025295.1); short protein forms A12S.
Identifiers: ClinVar variation 1563813 (VCV001563813.14), dbSNP rs568880098, ClinGen allele CA5773527.

ClinVar aggregate classification (germline): Conflicting classifications of pathogenicity. Review status: criteria provided, conflicting classifications (1 of 4 stars). 4 submissions from 4 submitters: Uncertain significance (1); Benign (1); Likely benign (1). 1 of the submissions does not count toward it. Last evaluated 2025-12-15.

Conditions:
Osteogenesis imperfecta (OI). Identifiers: Orphanet 666, MedGen C0029434, MeSH D010013, MONDO:0019019.
IFITM5-related disorder. Also called: IFITM5-related condition.
Inborn genetic diseases. Identifiers: MedGen C0950123, MeSH D030342.

Allele frequency attached by ClinVar (database versions not stated): TOPMed 0.00004; gnomAD 0.00020; gnomAD exomes 0.00079; 1000 Genomes Project 30x 0.00125; ExAC 0.00131; 1000 Genomes Project 0.00140.
gnomAD v4.1: 351 of 1,517,856 alleles (0.023%); highest among the groups gnomAD compares: South Asian, 0.42%; 4 homozygotes.

Submissions (4):

Labcorp Genetics (formerly Invitae), Labcorp
Classification: Benign. Last evaluated: 2025-12-15. Review status: criteria provided, single submitter. Criteria: Invitae Variant Classification Sherloc (09022015). Collection method: clinical testing. Allele origin: germline.

Ambry Genetics
Classification: Uncertain significance for Inborn genetic diseases. Last evaluated: 2023-10-17. Review status: criteria provided, single submitter. Criteria: Ambry Variant Classification Scheme 2023. Collection method: clinical testing. Allele origin: germline.

Genome Diagnostics Laboratory, The Hospital for Sick Children
Classification: Likely benign for Osteogenesis imperfecta. Last evaluated: 2020-07-09. Review status: criteria provided, single submitter. Criteria: ACMG Guidelines, 2015. Collection method: clinical testing. Allele origin: germline.

PreventionGenetics, part of Exact Sciences
Classification: Benign for IFITM5-related condition. Last evaluated: 2024-05-14. Review status: no assertion criteria provided. Collection method: clinical testing. Allele origin: germline. Not counted in ClinVar's aggregate classification.
Comment: This variant is classified as benign based on ACMG/AMP sequence variant interpretation guidelines (Richards et al. 2015 PMID: 25741868, with internal and published modifications).